The following is an entry in ClinVar:

NM_000370.3(TTPA):c.523G>A (p.Val175Ile)

Gene: TTPA (alpha tocopherol transfer protein; minus strand). Cytogenetic location: 8q12.3.
Variant type: single nucleotide variant.
Coding change: c.523G>A on transcript NM_000370.3 (MANE Select); coding-DNA position 523, G replaced by A.
Protein change: p.Val175Ile; replaces valine 175 with isoleucine.
Molecular consequence: missense variant.
Genome position (GRCh38, 1-based): chr8:63,065,933, C>T on the plus strand (G>A on the coding strand, the complement: TTPA is on the minus strand). VCF-style: chr8-63065933-C-T. GRCh37 (hg19) VCF-style: chr8-63978492-C-T.
Other names: c.523G>A, p.Val175Ile (NM_001413416.1); c.640G>A, p.Val214Ile (NM_001413418.1); short protein forms V214I, V175I.
Identifiers: ClinVar variation 2199019 (VCV002199019.4), dbSNP rs745623765, ClinGen allele CA4763219.

ClinVar aggregate classification (germline): Uncertain significance. Review status: criteria provided, multiple submitters, no conflicts (2 of 4 stars). 2 submissions from 2 submitters: Uncertain significance (2). Last evaluated 2025-11-19.

Conditions:
Inborn genetic diseases. Identifiers: MedGen C0950123, MeSH D030342.

Allele frequency attached by ClinVar (database versions not stated): TOPMed 0.00008; gnomAD 0.00001; ExAC 0.00007; gnomAD exomes 0.00002.
gnomAD v4.1: 31 of 1,613,894 alleles (0.0019%); highest among the groups gnomAD compares: East Asian, 0.045%; no homozygotes.

Submissions (2):

Ambry Genetics
Classification: Uncertain significance for Inborn genetic diseases. Last evaluated: 2025-11-19. Review status: criteria provided, single submitter. Criteria: Ambry Variant Classification Scheme 2023. Collection method: clinical testing. Allele origin: germline.

Labcorp Genetics (formerly Invitae), Labcorp
Classification: Uncertain significance. Last evaluated: 2022-10-24. Review status: criteria provided, single submitter. Criteria: Invitae Variant Classification Sherloc (09022015). Collection method: clinical testing. Allele origin: germline.
Comment: This sequence change replaces valine, which is neutral and non-polar, with isoleucine, which is neutral and non-polar, at codon 175 of the TTPA protein (p.Val175Ile). This variant is present in population databases (rs745623765, gnomAD 0.08%). This variant has not been reported in the literature in individuals affected with TTPA-related conditions. Advanced modeling of protein sequence and biophysical properties (such as structural, functional, and spatial information, amino acid conservation, physicochemical variation, residue mobility, and thermodynamic stability) performed at Invitae indicates that this missense variant is not expected to disrupt TTPA protein function. In summary, the available evidence is currently insufficient to determine the role of this variant in disease. Therefore, it has been classified as a Variant of Uncertain Significance.